The following is an entry in ClinVar:

ClinVar aggregate classification (germline): Likely benign. Review status: criteria provided, multiple submitters, no conflicts (2 of 4 stars). 2 submissions from 2 submitters: Likely benign (2). Last evaluated 2026-08-11.

Conditions:
COL9A3-related disorder. Also called: COL9A3-related condition.

Allele frequency attached by ClinVar (database versions not stated): ExAC 0.00003; gnomAD 0.00003; TOPMed 0.00005.
gnomAD v4.1: 107 of 1,563,204 alleles (0.0068%); highest among the groups gnomAD compares: Non-Finnish European, 0.0089%; no homozygotes.

Submissions (2):

PreventionGenetics, part of Exact Sciences
Classification: Likely benign for COL9A3-related condition. Last evaluated: 2026-08-11. Review status: criteria provided, single submitter. Criteria: ACMG Guidelines, 2015. Collection method: clinical testing. Allele origin: germline.
Comment: This variant is classified as likely benign based on ACMG/AMP sequence variant interpretation guidelines (Richards et al. 2015 PMID: 25741868, with internal and published modifications).

Labcorp Genetics (formerly Invitae), Labcorp
Classification: Likely benign. Last evaluated: 2025-12-21. Review status: criteria provided, single submitter. Criteria: Invitae Variant Classification Sherloc (09022015). Collection method: clinical testing. Allele origin: germline.

NM_001853.4(COL9A3):c.1161+7G>T

Gene: COL9A3 (collagen type IX alpha 3 chain; plus strand). Cytogenetic location: 20q13.33.
Variant type: single nucleotide variant.
Coding change: c.1161+7G>T on transcript NM_001853.4 (MANE Select); 7 bases into the intron after coding-DNA position 1161, G replaced by T.
Molecular consequence: intron variant.
Genome position (GRCh38, 1-based): chr20:62,829,826, G>T. VCF-style: chr20-62829826-G-T. GRCh37 (hg19) VCF-style: chr20-61461178-G-T.
Other names: c.1161+7G>T (NM_001853.3).
Identifiers: ClinVar variation 2185823 (VCV002185823.5), dbSNP rs768834001, ClinGen allele CA9949788.